The following is an entry in ClinVar:

ClinVar aggregate classification (germline): Benign/Likely benign. Review status: criteria provided, multiple submitters, no conflicts (2 of 4 stars). 3 submissions from 3 submitters: Benign (2); Likely benign (1). Last evaluated 2025-08-06.

Conditions:
Infantile-onset X-linked spinal muscular atrophy. Also called: AMC, DISTAL, X-LINKED; ARTHROGRYPOSIS, X-LINKED, TYPE I; SPINAL MUSCULAR ATROPHY, X-LINKED LETHAL INFANTILE; Spinal Muscular Atrophy, X-Linked Infantile; Spinal muscular atrophy, X-linked 2. Identifiers: Orphanet 1145, MedGen C1844934, MONDO:0010532, OMIM 301830.

Allele frequency attached by ClinVar (database versions not stated): gnomAD exomes 0.00024; 1000 Genomes Project 0.00053; ExAC 0.00007; gnomAD 0.00008 and 0.00003; TOPMed 0.00005; 1000 Genomes Project 30x 0.00062.

Submissions (3):

Labcorp Genetics (formerly Invitae), Labcorp
Classification: Benign for Infantile-onset X-linked spinal muscular atrophy. Last evaluated: 2025-08-06. Review status: criteria provided, single submitter. Criteria: Invitae Variant Classification Sherloc (09022015). Collection method: clinical testing. Allele origin: germline.

GeneDx
Classification: Benign. Last evaluated: 2020-05-20. Review status: criteria provided, single submitter. Criteria: GeneDx Variant Classification Process June 2021. Collection method: clinical testing. Allele origin: germline. Affected: yes.

Illumina Laboratory Services, Illumina
Classification: Likely benign for Infantile-onset X-linked spinal muscular atrophy. Last evaluated: 2018-01-12. Review status: criteria provided, single submitter. Criteria: ICSL Variant Classification Criteria 13 December 2019. Collection method: clinical testing. Allele origin: germline.
Comment: This variant was observed in the ICSL laboratory as part of a predisposition screen in an ostensibly healthy population. It had not been previously curated by ICSL or reported in the Human Gene Mutation Database (HGMD: prior to June 1st, 2018), and was therefore a candidate for classification through an automated scoring system. Utilizing variant allele frequency, disease prevalence and penetrance estimates, and inheritance mode, an automated score was calculated to assess if this variant is too frequent to cause the disease. Based on the score and internal cut-off values, a variant classified as likely benign is not then subjected to further curation. The score for this variant resulted in a classification of likely benign for this disease.

NM_003334.4(UBA1):c.2004-12G>A

Gene: UBA1 (ubiquitin like modifier activating enzyme 1; plus strand). Cytogenetic location: Xp11.3.
Variant type: single nucleotide variant.
Coding change: c.2004-12G>A on transcript NM_003334.4 (MANE Select); 12 bases into the intron before coding-DNA position 2004, G replaced by A.
Molecular consequence: intron variant.
Genome position (GRCh38, 1-based): chrX:47,209,916, G>A. VCF-style: chrX-47209916-G-A. GRCh37 (hg19) VCF-style: chrX-47069315-G-A.
Other names: c.2004-12G>A (NM_153280.3).
Identifiers: ClinVar variation 914298 (VCV000914298.13), dbSNP rs201583168, ClinGen allele CA10396069.